The following is an entry in ClinVar:

NM_001048174.2(MUTYH):c.521C>T (p.Pro174Leu)

Gene: MUTYH (mutY DNA glycosylase; minus strand). Cytogenetic location: 1p34.1.
Variant type: single nucleotide variant.
Coding change: c.521C>T on transcript NM_001048174.2 (MANE Select); coding-DNA position 521, C replaced by T.
Protein change: p.Pro174Leu; replaces proline 174 with leucine.
Molecular consequence: missense variant. On other transcripts: non-coding transcript variant (2).
Genome position (GRCh38, 1-based): chr1:45,332,659, G>A on the plus strand (C>T on the coding strand, the complement: MUTYH is on the minus strand). VCF-style: chr1-45332659-G-A. GRCh37 (hg19) VCF-style: chr1-45798331-G-A.
Other names: c.521C>T, p.Pro174Leu (NM_001048171.2, NM_001048173.2, NM_001293195.2); c.524C>T, p.Pro175Leu (NM_001048172.2); c.605C>T, p.Pro202Leu (NM_001128425.2); c.566C>T, p.Pro189Leu (NM_001293190.2); c.554C>T, p.Pro185Leu (NM_001293191.2); c.245C>T, p.Pro82Leu (NM_001293192.2, NM_001293196.2); c.176C>T, p.Pro59Leu (NM_001350650.2, NM_001350651.2); c.596C>T, p.Pro199Leu (NM_012222.3); short protein forms P202L, P174L, P175L, P59L, P82L, P189L, P199L, P185L.
Identifiers: ClinVar variation 406850 (VCV000406850.11), dbSNP rs778104957, ClinGen allele CA058405.

ClinVar aggregate classification (germline): Conflicting classifications of pathogenicity. Review status: criteria provided, conflicting classifications (1 of 4 stars). 4 submissions from 4 submitters: Likely pathogenic (1); Uncertain significance (3). Last evaluated 2025-08-15.

Conditions:
Hereditary cancer-predisposing syndrome. Also called: Tumor predisposition; Hereditary Cancer Syndrome; Hereditary neoplastic syndrome; Neoplastic Syndromes, Hereditary. Identifiers: Orphanet 140162, MedGen C0027672, MeSH D009386, MONDO:0015356.
Familial adenomatous polyposis 2. Also called: COLORECTAL ADENOMATOUS POLYPOSIS, AUTOSOMAL RECESSIVE; MUTYH Polyposis; MUTYH-associated polyposis; MUTYH-related attenuated familial adenomatous polyposis; Adenomas, multiple colorectal; ADENOMAS, MULTIPLE COLORECTAL, AUTOSOMAL RECESSIVE. Identifiers: Orphanet 220460, Orphanet 247798, MedGen C3272841, MONDO:0012041, OMIM 608456.

Allele frequency attached by ClinVar (database versions not stated): gnomAD exomes below 0.00001; ExAC 0.00001.

Submissions (4):

Ambry Genetics
Classification: Likely pathogenic for Hereditary cancer-predisposing syndrome. Last evaluated: 2025-08-15. Review status: criteria provided, single submitter. Criteria: Ambry Variant Classification Scheme 2023. Collection method: clinical testing. Allele origin: germline.
Comment: The p.P202L variant (also known as c.605C>T), located in coding exon 8 of the MUTYH gene, results from a C to T substitution at nucleotide position 605. The proline at codon 202 is replaced by leucine, an amino acid with similar properties. In a massively parallel cell-based functional assay testing 7,8-dihydro-8- oxoguanine:adenine (8OG:A) repair activity, a byproduct of oxidative damage, this variant was reported to be non-functional (Hemker SL et al. Am J Hum Genet. Published online July 29, 2025. DOI: 10.1016/j.ajhg.2025.07.005). This amino acid position is highly conserved in available vertebrate species. In addition, this alteration is predicted to be deleterious by in silico analysis. This variant is considered to be rare based on population cohorts in the Genome Aggregation Database (gnomAD). Based on the majority of available evidence to date, this variant is likely to be pathogenic.

Labcorp Genetics (formerly Invitae), Labcorp
Classification: Uncertain significance for Familial adenomatous polyposis 2. Last evaluated: 2025-04-24. Review status: criteria provided, single submitter. Criteria: Invitae Variant Classification Sherloc (09022015). Collection method: clinical testing. Allele origin: germline.
Comment: This sequence change replaces proline, which is neutral and non-polar, with leucine, which is neutral and non-polar, at codon 202 of the MUTYH protein (p.Pro202Leu). This variant is present in population databases (rs778104957, gnomAD 0.003%). This variant has not been reported in the literature in individuals affected with MUTYH-related conditions. ClinVar contains an entry for this variant (Variation ID: 406850). An algorithm developed to predict the effect of missense changes on protein structure and function (PolyPhen-2) suggests that this variant is likely to be disruptive. In summary, the available evidence is currently insufficient to determine the role of this variant in disease. Therefore, it has been classified as a Variant of Uncertain Significance.

Quest Diagnostics Nichols Institute San Juan Capistrano
Classification: Uncertain significance. Last evaluated: 2023-11-13. Review status: criteria provided, single submitter. Criteria: Quest Diagnostics criteria. Collection method: clinical testing. Allele origin: unknown.
Comment: The MUTYH c.605C>T (p.Pro202Leu) variant has not been reported in individuals with MUTYH-related conditions in the published literature. The frequency of this variant in the general population, 0.000004 (1/251452 chromosomes (Genome Aggregation Database)), is uninformative in the assessment of its pathogenicity. Analysis of this variant using bioinformatics tools for the prediction of the effect of amino acid changes on protein structure and function yielded predictions that this variant is damaging. Based on the available information, we are unable to determine the clinical significance of this variant.

All of Us Research Program, National Institutes of Health
Classification: Uncertain significance for Familial adenomatous polyposis 2. Last evaluated: 2023-08-15. Review status: criteria provided, single submitter. Criteria: ACMG Guidelines, 2015. Collection method: clinical testing. Allele origin: germline. Inheritance: Autosomal recessive inheritance. Observed: 1 variant allele, 1 heterozygote.
Comment: This study involves interpretation of variants in research participants for the purpose of population health screening. Participant phenotype was not available at the time of variant classification. Additional details can be found in publication PMID: 35346344, PMCID: PMC8962531